The following is an entry in ClinVar:

NM_000179.3(MSH6):c.3592G>A (p.Ala1198Thr)

Gene: MSH6 (mutS homolog 6; plus strand). Cytogenetic location: 2p16.3.
Variant type: single nucleotide variant.
Coding change: c.3592G>A on transcript NM_000179.3 (MANE Select); coding-DNA position 3592, G replaced by A.
Protein change: p.Ala1198Thr; replaces alanine 1198 with threonine.
Molecular consequence: missense variant.
Genome position (GRCh38, 1-based): chr2:47,805,653, G>A. VCF-style: chr2-47805653-G-A. GRCh37 (hg19) VCF-style: chr2-48032792-G-A.
Other names: c.3202G>A, p.Ala1068Thr (NM_001281492.2); c.2686G>A, p.Ala896Thr (NM_001281493.2, NM_001281494.2); short protein forms A1068T, A1198T, A896T.
Identifiers: ClinVar variation 1001075 (VCV001001075.46), dbSNP rs1669962346, ClinGen allele CA346760536.

ClinVar aggregate classification (germline): Uncertain significance. Review status: criteria provided, multiple submitters, no conflicts (2 of 4 stars). 3 submissions from 3 submitters: Uncertain significance (3). Last evaluated 2025-06-16.

Conditions:
Hereditary cancer-predisposing syndrome. Also called: Hereditary Cancer Syndrome; Hereditary neoplastic syndrome; Neoplastic Syndromes, Hereditary; Tumor predisposition. Identifiers: Orphanet 140162, MedGen C0027672, MeSH D009386, MONDO:0015356.
Hereditary nonpolyposis colorectal neoplasms. Identifiers: MedGen C0009405, MeSH D003123.

Allele frequency attached by ClinVar (database versions not stated): TOPMed below 0.00001; gnomAD 0.00001.
gnomAD v4.1: 1 of 1,612,704 alleles (0.000062%); highest among the groups gnomAD compares: Non-Finnish European, 0.000085%; no homozygotes.

Submissions (3):

Ambry Genetics
Classification: Uncertain significance for Hereditary cancer-predisposing syndrome. Last evaluated: 2025-06-16. Review status: criteria provided, single submitter. Criteria: Ambry Variant Classification Scheme 2023. Collection method: clinical testing. Allele origin: germline.
Comment: The p.A1198T variant (also known as c.3592G>A), located in coding exon 7 of the MSH6 gene, results from a G to A substitution at nucleotide position 3592. The alanine at codon 1198 is replaced by threonine, an amino acid with similar properties. This amino acid position is not well conserved in available vertebrate species. In addition, the in silico prediction for this alteration is inconclusive. Based on the available evidence, the clinical significance of this variant remains unclear.

CeGaT Center for Human Genetics Tuebingen
Classification: Uncertain significance. Last evaluated: 2021-10-01. Review status: criteria provided, single submitter. Criteria: CeGaT Center For Human Genetics Tuebingen Variant Classification Criteria Version 2. Collection method: clinical testing. Allele origin: germline. Affected: yes. Observed: 2 variant alleles.

Labcorp Genetics (formerly Invitae), Labcorp
Classification: Uncertain significance for Hereditary nonpolyposis colorectal neoplasms. Last evaluated: 2020-04-08. Review status: criteria provided, single submitter. Criteria: Invitae Variant Classification Sherloc (09022015). Collection method: clinical testing. Allele origin: germline.
Comment: This sequence change replaces alanine with threonine at codon 1198 of the MSH6 protein (p.Ala1198Thr). The alanine residue is moderately conserved and there is a small physicochemical difference between alanine and threonine. In summary, the available evidence is currently insufficient to determine the role of this variant in disease. Therefore, it has been classified as a Variant of Uncertain Significance. Algorithms developed to predict the effect of missense changes on protein structure and function are either unavailable or do not agree on the potential impact of this missense change (SIFT: "Tolerated"; PolyPhen-2: "Probably Damaging"; Align-GVGD: "Class C0"). This variant has not been reported in the literature in individuals with MSH6-related conditions. This variant is not present in population databases (ExAC no frequency).